The following is an entry in ClinVar:

ClinVar aggregate classification (germline): Conflicting classifications of pathogenicity. Review status: criteria provided, conflicting classifications (1 of 4 stars). 2 submissions from 2 submitters: Uncertain significance (1); Benign (1). Last evaluated 2023-03-18.

Conditions:
Adams-Oliver syndrome 5 (AOS5). Identifiers: Orphanet 974, MedGen C4014970, MONDO:0014459, OMIM 616028.
Familial thoracic aortic aneurysm and aortic dissection (TAAD). Also called: Thoracic aortic aneurysms and dissections. Identifiers: Orphanet 91387, MedGen C4707243, MONDO:0019625.

Allele frequency attached by ClinVar (database versions not stated): gnomAD exomes below 0.00001 and 0.00001; ExAC 0.00001; gnomAD 0.00002.
gnomAD v4.1: 4 of 1,432,954 alleles (0.00028%); highest among the groups gnomAD compares: African/African-American, 0.0062%; no homozygotes.

Submissions (2):

Labcorp Genetics (formerly Invitae), Labcorp
Classification: Benign for Adams-Oliver syndrome 5. Last evaluated: 2023-03-18. Review status: criteria provided, single submitter. Criteria: Invitae Variant Classification Sherloc (09022015). Collection method: clinical testing. Allele origin: germline.

Ambry Genetics
Classification: Uncertain significance for Familial thoracic aortic aneurysm and aortic dissection. Last evaluated: 2015-07-20. Review status: criteria provided, single submitter. Criteria: Ambry Variant Classification Scheme 2023. Collection method: clinical testing. Allele origin: germline.
Comment: The p.K814R variant (also known as c.2441A>G), located in coding exon 15 of the NOTCH1 gene, results from an A to G substitution at nucleotide position 2441. The lysine at codon 814 is replaced by arginine, an amino acid with highly similar properties. This variant was not reported in population based cohorts in the following databases: Database of Single Nucleotide Polymorphisms (dbSNP), NHLBI Exome Sequencing Project (ESP), and 1000 Genomes Project. In the ESP, this variant was not observed in 6258 samples (12516 alleles) with coverage at this position. This amino acid position is well conserved in available vertebrate species. In addition, this alteration is predicted to be tolerated by in silico analysis. Since supporting evidence is limited at this time, the clinical significance of this variant remains unclear.

NM_017617.5(NOTCH1):c.2441A>G (p.Lys814Arg)

Gene: NOTCH1 (notch receptor 1; minus strand). Cytogenetic location: 9q34.3.
Variant type: single nucleotide variant.
Coding change: c.2441A>G on transcript NM_017617.5 (MANE Select); coding-DNA position 2441, A replaced by G.
Protein change: p.Lys814Arg; replaces lysine 814 with arginine.
Molecular consequence: missense variant.
Genome position (GRCh38, 1-based): chr9:136,513,047, T>C on the plus strand (A>G on the coding strand, the complement: NOTCH1 is on the minus strand). VCF-style: chr9-136513047-T-C. GRCh37 (hg19) VCF-style: chr9-139407499-T-C.
Other names: c.2441A>G, p.Lys814Arg (LRG_1122t1); short protein forms K814R.
Identifiers: ClinVar variation 264173 (VCV000264173.8), dbSNP rs747529236, ClinGen allele CA5341356.